The following is an entry in ClinVar:

NM_172362.3(KCNH1):c.833G>A (p.Gly278Glu)

Gene: KCNH1 (potassium voltage-gated channel subfamily H member 1; minus strand). Cytogenetic location: 1q32.2.
Variant type: single nucleotide variant.
Coding change: c.833G>A on transcript NM_172362.3 (MANE Select); coding-DNA position 833, G replaced by A.
Protein change: p.Gly278Glu; replaces glycine 278 with glutamic acid.
Molecular consequence: missense variant.
Genome position (GRCh38, 1-based): chr1:211,018,982, C>T on the plus strand (G>A on the coding strand, the complement: KCNH1 is on the minus strand). VCF-style: chr1-211018982-C-T. GRCh37 (hg19) VCF-style: chr1-211192324-C-T.
Other names: c.833G>A, p.Gly278Glu (NM_002238.4); short protein forms G278E.
Identifiers: ClinVar variation 5005667 (VCV005005667.2).
Genomic context (GRCh38, chr1:211,018,982, plus strand): 5'-ATCACAAACCACGTCTTCAGGTAGTTCATGCGGATAAGTTTGGGGTCAGAAATCACCTCC[C>T]CTGCTGGTCCAACAAAGGTGGTATGAAAATTGAGCACAATGTCCACCAAAAAGATAACAT-3'
Protein context (NP_758872.1, residues 268-288): NFHTTFVGPA[Gly278Glu]EVISDPKLIR

ClinVar aggregate classification (germline): Uncertain significance (1 of 4 stars; one submission).

Conditions:
Temple-Baraitser syndrome (TMBTS). Also called: Severe mental retardation and absent nails of hallux and pollex. Identifiers: Orphanet 420561, MedGen C2678486, MONDO:0012735, OMIM 611816.
Zimmermann-Laband syndrome 1 (ZLS1). Identifiers: Orphanet 3473, MedGen C4551773, MONDO:0024526, OMIM 135500.

Submission:

Juno Genomics, Hangzhou Juno Genomics, Inc
Classification: Uncertain significance for Temple-Baraitser syndrome; Zimmermann-Laband syndrome 1. Review status: criteria provided, single submitter. Criteria: ACMG Guidelines, 2015. Collection method: clinical testing. Allele origin: germline.
Comment: Absent from controls (or at extremely low frequency if recessive) in Genome Aggregation Database.;Missense variant in a gene that has a low rate of benign missense variation.;Multiple lines of computational evidence support a deleterious effect on the gene or gene product.